The following is an entry in ClinVar:

NM_000089.4(COL1A2):c.1531G>T (p.Gly511Cys)

Gene: COL1A2 (collagen type I alpha 2 chain; plus strand). Cytogenetic location: 7q21.3.
Variant type: single nucleotide variant.
Coding change: c.1531G>T on transcript NM_000089.4 (MANE Select); coding-DNA position 1531, G replaced by T.
Protein change: p.Gly511Cys; replaces glycine 511 with cysteine.
Molecular consequence: missense variant.
Genome position (GRCh38, 1-based): chr7:94,413,110, G>T. VCF-style: chr7-94413110-G-T. GRCh37 (hg19) VCF-style: chr7-94042422-G-T.
Other names: short protein forms G511C.
Identifiers: ClinVar variation 2431378 (VCV002431378.1), dbSNP rs72658125, ClinGen allele CA368222048.

ClinVar aggregate classification (germline): Likely pathogenic (1 of 4 stars; one submission).

Conditions:
Osteogenesis imperfecta, perinatal lethal (OI2). Also called: Osteogenesis imperfecta type 2; OSTEOGENESIS IMPERFECTA, TYPE II; VROLIK TYPE OF OSTEOGENESIS IMPERFECTA; OI, TYPE II; OSTEOGENESIS IMPERFECTA CONGENITA; Osteogenesis imperfecta, dominant perinatal lethal. Identifiers: Orphanet 216804, MedGen C0268358, MONDO:0008147, OMIM 166210.

Submission:

Laboratorio de Genetica e Diagnostico Molecular, Hospital Israelita Albert Einstein
Classification: Likely pathogenic for Osteogenesis imperfecta, perinatal lethal. Last evaluated: 2022-05-13. Review status: criteria provided, single submitter. Criteria: ACMG Guidelines, 2015. Collection method: clinical testing. Allele origin: germline. Affected: yes. Observed: 1 variant allele.
Comment: ACMG classification criteria: PS4 supporting, PM1 moderated, PM2 moderated, PM6 moderated, PP3 supporting